The following is an entry in ClinVar:

ClinVar aggregate classification (germline): Uncertain significance. Review status: criteria provided, multiple submitters, no conflicts (2 of 4 stars). 3 submissions from 3 submitters: Uncertain significance (3). Last evaluated 2025-07-03.

Conditions:
Multiple endocrine neoplasia, type 2 (MEN2). Identifiers: Orphanet 653, MedGen C4048306, MONDO:0019003. Disease mechanism: gain of function.

Submissions (3):

Color Diagnostics, LLC DBA Color Health
Classification: Uncertain significance for Multiple endocrine neoplasia, type 2. Last evaluated: 2025-07-03. Review status: criteria provided, single submitter. Criteria: ACMG Guidelines, 2015. Collection method: clinical testing. Allele origin: germline.
Comment: This missense variant replaces isoleucine with threonine at codon 858 of the RET protein. Computational prediction suggests that this variant may have deleterious impact on protein structure and function. To our knowledge, functional studies have not been reported for this variant. This variant has not been reported in individuals affected with RET-related disorders in the literature. This variant has not been identified in the general population by the Genome Aggregation Database (gnomAD). The available evidence is insufficient to determine the role of this variant in disease conclusively. Therefore, this variant is classified as a Variant of Uncertain Significance.

Labcorp Genetics (formerly Invitae), Labcorp
Classification: Uncertain significance for Multiple endocrine neoplasia, type 2. Last evaluated: 2024-06-30. Review status: criteria provided, single submitter. Criteria: Invitae Variant Classification Sherloc (09022015). Collection method: clinical testing. Allele origin: germline.
Comment: This sequence change replaces isoleucine, which is neutral and non-polar, with threonine, which is neutral and polar, at codon 858 of the RET protein (p.Ile858Thr). This variant is not present in population databases (gnomAD no frequency). This variant has not been reported in the literature in individuals affected with RET-related conditions. An algorithm developed to predict the effect of missense changes on protein structure and function (PolyPhen-2) suggests that this variant is likely to be disruptive. In summary, the available evidence is currently insufficient to determine the role of this variant in disease. Therefore, it has been classified as a Variant of Uncertain Significance.

All of Us Research Program, National Institutes of Health
Classification: Uncertain significance for Multiple endocrine neoplasia, type 2. Last evaluated: 2023-05-08. Review status: criteria provided, single submitter. Criteria: ACMG Guidelines, 2015. Collection method: clinical testing. Allele origin: germline. Inheritance: Autosomal dominant inheritance. Observed: 1 variant allele, 1 heterozygote.
Comment: This study involves interpretation of variants in research participants for the purpose of population health screening. Participant phenotype was not available at the time of variant classification. Additional details can be found in publication PMID: 35346344, PMCID: PMC8962531

NM_020975.6(RET):c.2573T>C (p.Ile858Thr)

Gene: RET (ret proto-oncogene; plus strand). Cytogenetic location: 10q11.21.
Variant type: single nucleotide variant.
Coding change: c.2573T>C on transcript NM_020975.6 (MANE Select); coding-DNA position 2573, T replaced by C.
Protein change: p.Ile858Thr; replaces isoleucine 858 with threonine.
Molecular consequence: missense variant.
Genome position (GRCh38, 1-based): chr10:43,119,711, T>C. VCF-style: chr10-43119711-T-C. GRCh37 (hg19) VCF-style: chr10-43615159-T-C.
Other names: c.1811T>C, p.Ile604Thr (NM_001355216.2); c.2573T>C, p.Ile858Thr (NM_001406743.1, NM_001406744.1, NM_001406759.1 and 4 more transcripts); c.2444T>C, p.Ile815Thr (NM_001406761.1, NM_001406762.1, NM_001406764.1); c.2438T>C, p.Ile813Thr (NM_001406763.1, NM_001406765.1); c.1847T>C, p.Ile616Thr (NM_001406775.1, NM_001406776.1, NM_001406777.1 and 1 more transcripts); c.1676T>C, p.Ile559Thr (NM_001406779.1, NM_001406780.1, NM_001406781.1 and 1 more transcripts); c.1547T>C, p.Ile516Thr (NM_001406783.1, NM_001406786.1); c.1583T>C, p.Ile528Thr (NM_001406784.1); and 10 more; short protein forms I423T, I514T, I726T, I813T, I375T, I463T, I516T, I528T.
Identifiers: ClinVar variation 2868475 (VCV002868475.5), dbSNP rs2132950448, ClinGen allele CA376556672.